The following is an entry in ClinVar:

NM_206933.4(USH2A):c.10909A>C (p.Thr3637Pro)

Gene: USH2A (usherin; minus strand). Cytogenetic location: 1q41.
Variant type: single nucleotide variant.
Coding change: c.10909A>C on transcript NM_206933.4 (MANE Select); coding-DNA position 10909, A replaced by C.
Protein change: p.Thr3637Pro; replaces threonine 3637 with proline.
Molecular consequence: missense variant.
Genome position (GRCh38, 1-based): chr1:215,779,873, T>G on the plus strand (A>C on the coding strand, the complement: USH2A is on the minus strand). VCF-style: chr1-215779873-T-G. GRCh37 (hg19) VCF-style: chr1-215953215-T-G.
Other names: short protein forms T3637P.
Identifiers: ClinVar variation 2507341 (VCV002507341.1), dbSNP rs2464383120, ClinGen allele CA344833219.

ClinVar aggregate classification (germline): Uncertain significance (1 of 4 stars; one submission).

Submission:

GeneDx
Classification: Uncertain significance. Last evaluated: 2022-12-30. Review status: criteria provided, single submitter. Criteria: GeneDx Variant Classification Process June 2021. Collection method: clinical testing. Allele origin: germline. Affected: yes.
Comment: Not observed at significant frequency in large population cohorts (gnomAD); In silico analysis supports that this missense variant has a deleterious effect on protein structure/function; Has not been previously published as pathogenic or benign to our knowledge